The following is an entry in ClinVar:

ClinVar aggregate classification (germline): Pathogenic (1 of 4 stars; one submission).

Conditions:
Galloway-Mowat syndrome 1 (GAMOS1). Identifiers: Orphanet 2065, Orphanet 83472, MedGen C4551772, MONDO:0033005, OMIM 251300.

Submission:

Clinical Biomedical Laboratory, Shriners Hospital For Children - Canada
Classification: Pathogenic for Galloway-Mowat syndrome 1. Review status: criteria provided, single submitter. Criteria: ACMG Guidelines, 2015. Collection method: clinical testing. Allele origin: germline. Affected: yes.
Comment: This variant is predicted to substitute a cysteine residue by a stop codon. This is expected to lead to degradation of the affected transcript and loss of function of the affected allele. Loss of function variants in WDR73 are associated with Galloway-Mowat syndrome 1, which has significant overlap with the phenotype of the proband (PMID 25873735). This variant is absent from the Genome Aggregation Database (v2.1.1.), indicating it is very rare. Based on the ACMG variant interpretation guidelines (criteria: PVS1, PM2, PM3), the available evidence supports classification of this variant as pathogenic.

NM_032856.5(WDR73):c.753T>A (p.Cys251Ter)

Gene: WDR73 (WD repeat domain 73; minus strand). Cytogenetic location: 15q25.2.
Variant type: single nucleotide variant.
Coding change: c.753T>A on transcript NM_032856.5 (MANE Select); coding-DNA position 753, T replaced by A.
Protein change: p.Cys251Ter; replaces cysteine 251 with a stop codon.
Molecular consequence: nonsense. On other transcripts: non-coding transcript variant (4).
Genome position (GRCh38, 1-based): chr15:84,645,601, A>T on the plus strand (T>A on the coding strand, the complement: WDR73 is on the minus strand). VCF-style: chr15-84645601-A-T. GRCh37 (hg19) VCF-style: chr15-85188832-A-T.
Other names: short protein forms C251*.
Identifiers: ClinVar variation 4819331 (VCV004819331.1).